The following is an entry in ClinVar:

NM_003403.5(YY1):c.216C>G (p.His72Gln)

Gene: YY1 (YY1 transcription factor; plus strand). Cytogenetic location: 14q32.2.
Variant type: single nucleotide variant.
Coding change: c.216C>G on transcript NM_003403.5 (MANE Select); coding-DNA position 216, C replaced by G.
Protein change: p.His72Gln; replaces histidine 72 with glutamine.
Molecular consequence: missense variant.
Genome position (GRCh38, 1-based): chr14:100,239,460, C>G. VCF-style: chr14-100239460-C-G. GRCh37 (hg19) VCF-style: chr14-100705797-C-G.
Other names: short protein forms H72Q.
Identifiers: ClinVar variation 4872729 (VCV004872729.3).
Genomic context (GRCh38, chr14:100,239,460, plus strand): 5'-GGACGGCGGCGGTGGCGACCACGGCGGCGGGGGCGGCCACGGGCACGCCGGCCACCACCA[C>G]CACCACCATCACCACCACCACCACCCGCCCATGATCGCTCTGCAGCCGCTGGTCACCGAC-3'
Protein context (NP_003394.1, residues 62-82): GGGHGHAGHH[His72Gln]HHHHHHHHPP

ClinVar aggregate classification (germline): Likely benign. Review status: criteria provided, multiple submitters, no conflicts (2 of 4 stars). 2 submissions from 2 submitters: Likely benign (2). Last evaluated 2026-04-01.

gnomAD v4.1: 255 of 1,600,994 alleles (0.016%); highest among the groups gnomAD compares: Non-Finnish European, 0.0061%; no homozygotes.

Submissions (2):

CeGaT Center for Human Genetics Tuebingen
Classification: Likely benign. Last evaluated: 2026-04-01. Review status: criteria provided, single submitter. Criteria: CeGaT Center For Human Genetics Tuebingen Variant Classification Criteria Version 2. Collection method: clinical testing. Allele origin: germline. Affected: yes. Observed: 1 variant allele.
Comment: YY1: BS2

Blueprint Genetics
Classification: Likely benign. Last evaluated: 2024-04-25. Review status: criteria provided, single submitter. Criteria: ACMG Guidelines, 2015. Collection method: clinical testing. Allele origin: germline.